The following is an entry in ClinVar:

NM_001277115.2(DNAH11):c.9376G>A (p.Glu3126Lys)

Gene: DNAH11 (dynein axonemal heavy chain 11; plus strand). Cytogenetic location: 7p15.3.
Variant type: single nucleotide variant.
Coding change: c.9376G>A on transcript NM_001277115.2 (MANE Select); coding-DNA position 9376, G replaced by A.
Protein change: p.Glu3126Lys; replaces glutamic acid 3126 with lysine.
Molecular consequence: missense variant.
Genome position (GRCh38, 1-based): chr7:21,778,997, G>A. VCF-style: chr7-21778997-G-A. GRCh37 (hg19) VCF-style: chr7-21818615-G-A.
Other names: c.9397G>A, p.Glu3133Lys (NM_003777.3); short protein forms E3126K, E3133K.
Identifiers: ClinVar variation 1708715 (VCV001708715.10), dbSNP rs767994393, ClinGen allele CA4181946.

ClinVar aggregate classification (germline): Conflicting classifications of pathogenicity. Review status: criteria provided, conflicting classifications (1 of 4 stars). 4 submissions from 4 submitters: Uncertain significance (3); Benign (1). Last evaluated 2025-10-21.

Conditions:
Primary ciliary dyskinesia. Also called: Ciliary dyskinesia. Identifiers: Orphanet 244, MedGen C0008780, MONDO:0016575, HP:0012265.
Primary ciliary dyskinesia 7. Also called: CILIARY DYSKINESIA, PRIMARY, 7, WITH OR WITHOUT SITUS INVERSUS. Identifiers: Orphanet 244, MedGen C2678473, MONDO:0012748, OMIM 611884.

Allele frequency attached by ClinVar (database versions not stated): ExAC 0.00005; gnomAD 0.00007; gnomAD exomes 0.00008; TOPMed 0.00008.
gnomAD v4.1: 132 of 1,613,180 alleles (0.0082%); highest among the groups gnomAD compares: African/African-American, 0.013%; no homozygotes.

Submissions (4):

Labcorp Genetics (formerly Invitae), Labcorp
Classification: Benign for Primary ciliary dyskinesia. Last evaluated: 2025-10-21. Review status: criteria provided, single submitter. Criteria: Invitae Variant Classification Sherloc (09022015). Collection method: clinical testing. Allele origin: germline.

Clinical Genomics Laboratory, Washington University in St. Louis
Classification: Uncertain significance for Primary ciliary dyskinesia 7. Last evaluated: 2024-07-23. Review status: criteria provided, single submitter. Criteria: ACMG Guidelines, 2015. Collection method: clinical testing. Allele origin: germline.
Comment: The DNAH11 c.9376G>A (p.Glu3126Lys), also described as c.9397G>A (p.Glu3313Lys), has been reported in one patient affected with primary ciliary dyskinesia who carried a second DNAH11 missense variant with unknown phase (Nakhleh N et al., PMID: 22499950). This variant is only observed 15/279,642 alleles in the general population (gnomAD v.2.1.1), indicating it is not a common variant. Computational predictors are uncertain as to the impact of this variant on DNAH11 function. This variant has been reported in the ClinVar database as a germline variant of uncertain significance by two submitters and benign by one submitter. Due to limited information, and based on ACMG/AMP guidelines for variant interpretation (Richards S et al., PMID: 25741868), the clinical significance of this variant is uncertain at this time.

GeneDx
Classification: Uncertain significance. Last evaluated: 2022-04-09. Review status: criteria provided, single submitter. Criteria: GeneDx Variant Classification Process June 2021. Collection method: clinical testing. Allele origin: germline. Affected: yes.
Comment: In silico analysis supports that this missense variant has a deleterious effect on protein structure/function; Observed in a patient with a second DNAH11 missense variant with primary ciliary dyskinesia in published literature, but it is not known whether the variants occurred on the same (in cis) or on different (in trans) chromosomes (Nakhleh et al., 2012); This variant is associated with the following publications: (PMID: 22499950)

Ambry Genetics
Classification: Uncertain significance for Primary ciliary dyskinesia. Last evaluated: 2014-08-01. Review status: criteria provided, single submitter. Criteria: Ambry Variant Classification Scheme 2023. Collection method: clinical testing. Allele origin: germline.
Comment: The p.E3133K variant (also known as c.9397G>A), located in coding exon 57 of the DNAH11 gene, results from a G to A substitution at nucleotide position 9397. The glutamic acid at codon 3133 is replaced by lysine, an amino acid with similar properties. This alteration was first reported in an individual who had a history of newborn respiratory distress, otits media, recurrent pneumonia, bronchiectasis and congenital heart disease; a second alteration in DNAH11 was also identfied (p.Q1507P), however, the phase (cis/trans) of the alterations is not known (Nakhleh Net al. Circulation. 2012;125(18):2232-42). This variant was not reported in population based cohorts in the following databases: Database of Single Nucleotide Polymorphisms (dbSNP), NHLBI Exome Sequencing Project (ESP), and 1000 Genomes Project. In the ESP, this variant was not observed in 6041 samples (12082 alleles) with coverage at this position. This amino acid position is highly conserved in available vertebrate species. In addition, this alteration is predicted to be probably damaging but tolerated by PolyPhen and SIFT in silico analyses, respectively. Since supporting evidence is limited at this time, the clinical significance of this variant remains unclear.

Literature cited by the submitters: PubMed 22499950 (cited by Ambry Genetics).